The following is an entry in ClinVar:

ClinVar aggregate classification (germline): Likely benign. Review status: criteria provided, single submitter (1 of 4 stars). 2 submissions from 2 submitters: Likely benign (1). 1 of the submissions does not count toward it. Last evaluated 2025-06-13.

Conditions:
DISP1-related disorder. Also called: DISP1-related condition.

Allele frequency attached by ClinVar (database versions not stated): gnomAD exomes 0.00002 and 0.00003; ExAC 0.00004; gnomAD 0.00011; TOPMed 0.00019; ESP Exome Variant Server 0.00023; 1000 Genomes Project 0.00060; 1000 Genomes Project 30x 0.00078.
gnomAD v4.1: 43 of 1,614,138 alleles (0.0027%); highest among the groups gnomAD compares: African/African-American, 0.048%; no homozygotes.

Submissions (2):

Labcorp Genetics (formerly Invitae), Labcorp
Classification: Likely benign. Last evaluated: 2025-06-13. Review status: criteria provided, single submitter. Criteria: Invitae Variant Classification Sherloc (09022015). Collection method: clinical testing. Allele origin: germline.

PreventionGenetics, part of Exact Sciences
Classification: Likely benign for DISP1-related condition. Last evaluated: 2019-07-10. Review status: no assertion criteria provided. Collection method: clinical testing. Allele origin: germline. Not counted in ClinVar's aggregate classification.
Comment: This variant is classified as likely benign based on ACMG/AMP sequence variant interpretation guidelines (Richards et al. 2015 PMID: 25741868, with internal and published modifications).

NM_001377229.1(DISP1):c.54C>T (p.Ile18=)

Gene: DISP1 (dispatched RND transporter family member 1; plus strand). Cytogenetic location: 1q41.
Variant type: single nucleotide variant.
Coding change: c.54C>T on transcript NM_001377229.1 (MANE Select); coding-DNA position 54, C replaced by T.
Protein change: p.Ile18=; no amino-acid change (isoleucine 18 retained).
Molecular consequence: synonymous variant. On other transcripts: 5 prime UTR variant (1).
Genome position (GRCh38, 1-based): chr1:222,942,877, C>T. VCF-style: chr1-222942877-C-T. GRCh37 (hg19) VCF-style: chr1-223116219-C-T.
Other names: c.54C>T (NM_032890.3); c.-834C>T (NM_001350630.2); c.54C>T, p.Ile18= (NM_001369594.1, NM_001377228.1, NM_032890.5).
Identifiers: ClinVar variation 1583673 (VCV001583673.10), dbSNP rs143065552, ClinGen allele CA1408730.